The following is an entry in ClinVar:

NM_020831.6(MRTFA):c.1956G>A (p.Lys652=)

Gene: MRTFA (myocardin related transcription factor A; minus strand). Cytogenetic location: 22q13.1.
Variant type: single nucleotide variant.
Coding change: c.1956G>A on transcript NM_020831.6 (MANE Select); coding-DNA position 1956, G replaced by A.
Protein change: p.Lys652=; no amino-acid change (lysine 652 retained).
Molecular consequence: synonymous variant.
Genome position (GRCh38, 1-based): chr22:40,418,782, C>T on the plus strand (G>A on the coding strand, the complement: MRTFA is on the minus strand). VCF-style: chr22-40418782-C-T. GRCh37 (hg19) VCF-style: chr22-40814786-C-T.
Other names: c.1656G>A (NM_020831.4); c.1656G>A, p.Lys552= (NM_001282660.2); c.1806G>A, p.Lys602= (NM_001282661.3); c.1956G>A, p.Lys652= (NM_001282662.3); c.1761G>A, p.Lys587= (NM_001318139.2).
Identifiers: ClinVar variation 1683011 (VCV001683011.9), dbSNP rs1470330866, ClinGen allele CA514791058.

ClinVar aggregate classification (germline): Likely benign. Review status: criteria provided, multiple submitters, no conflicts (2 of 4 stars). 2 submissions from 2 submitters: Likely benign (2). Last evaluated 2026-04-01.

Conditions:
MRTFA-related disorder. Also called: MRTFA-related condition.

Allele frequency attached by ClinVar (database versions not stated): gnomAD exomes below 0.00001; gnomAD 0.00001; TOPMed 0.00002.
gnomAD v4.1: 3 of 1,581,098 alleles (0.00019%); highest among the groups gnomAD compares: African/African-American, 0.004%; no homozygotes.

Submissions (2):

PreventionGenetics, part of Exact Sciences
Classification: Likely benign for MRTFA-related condition. Last evaluated: 2026-04-01. Review status: criteria provided, single submitter. Criteria: ACMG Guidelines, 2015. Collection method: clinical testing. Allele origin: germline.
Comment: This variant is classified as likely benign based on ACMG/AMP sequence variant interpretation guidelines (Richards et al. 2015 PMID: 25741868, with internal and published modifications).

Labcorp Genetics (formerly Invitae), Labcorp
Classification: Likely benign. Last evaluated: 2024-06-11. Review status: criteria provided, single submitter. Criteria: Invitae Variant Classification Sherloc (09022015). Collection method: clinical testing. Allele origin: germline.